The following is an entry in ClinVar:

ClinVar aggregate classification (germline): Uncertain significance. Review status: criteria provided, multiple submitters, no conflicts (2 of 4 stars). 2 submissions from 2 submitters: Uncertain significance (2). Last evaluated 2023-05-25.

gnomAD v4.1: 40 of 1,613,522 alleles (0.0025%); highest among the groups gnomAD compares: Admixed American, 0.005%; no homozygotes.

Submissions (2):

Ambry Genetics
Classification: Uncertain significance. Last evaluated: 2023-05-25. Review status: criteria provided, single submitter. Criteria: Ambry Variant Classification Scheme 2023. Collection method: clinical testing. Allele origin: germline.

Labcorp Genetics (formerly Invitae), Labcorp
Classification: Uncertain significance. Last evaluated: 2023-01-17. Review status: criteria provided, single submitter. Criteria: Invitae Variant Classification Sherloc (09022015). Collection method: clinical testing. Allele origin: germline.
Comment: In summary, the available evidence is currently insufficient to determine the role of this variant in disease. Therefore, it has been classified as a Variant of Uncertain Significance. Algorithms developed to predict the effect of missense changes on protein structure and function output the following: SIFT: "Tolerated"; PolyPhen-2: "Benign"; Align-GVGD: "Class C0". The asparagine amino acid residue is found in multiple mammalian species, which suggests that this missense change does not adversely affect protein function. ClinVar contains an entry for this variant (Variation ID: 1475856). This variant has not been reported in the literature in individuals affected with ASRGL1-related conditions. This variant is present in population databases (rs777744851, gnomAD 0.005%). This sequence change replaces aspartic acid, which is acidic and polar, with asparagine, which is neutral and polar, at codon 306 of the ASRGL1 protein (p.Asp306Asn).

NM_001083926.2(ASRGL1):c.916G>A (p.Asp306Asn)

Gene: ASRGL1 (asparaginase and isoaspartyl peptidase 1; plus strand). Cytogenetic location: 11q12.3.
Variant type: single nucleotide variant.
Coding change: c.916G>A on transcript NM_001083926.2 (MANE Select); coding-DNA position 916, G replaced by A.
Protein change: p.Asp306Asn; replaces aspartic acid 306 with asparagine.
Molecular consequence: missense variant.
Genome position (GRCh38, 1-based): chr11:62,392,273, G>A. VCF-style: chr11-62392273-G-A. GRCh37 (hg19) VCF-style: chr11-62159745-G-A.
Other names: c.916G>A, p.Asp306Asn (NM_025080.4); c.916G>A (NM_001083926.1); short protein forms D306N.
Identifiers: ClinVar variation 1475856 (VCV001475856.10), dbSNP rs777744851, ClinGen allele CA6043359.